The following is an entry in ClinVar:

ClinVar aggregate classification (germline): Uncertain significance (1 of 4 stars; one submission).

Conditions:
Joubert syndrome. Also called: Familial aplasia of the vermis; CEREBELLOPARENCHYMAL DISORDER IV; JOUBERT-BOLTSHAUSER SYNDROME. Identifiers: Orphanet 475, MedGen C5979921, MONDO:0018772.
Meckel-Gruber syndrome. Also called: Dysencephalia splachnocystica; DYSENCEPHALIA SPLANCHNOCYSTICA; GRUBER SYNDROME. Identifiers: Orphanet 564, MedGen C0265215, MONDO:0018921.

Submission:

Labcorp Genetics (formerly Invitae), Labcorp
Classification: Uncertain significance for Joubert syndrome; Meckel-Gruber syndrome. Last evaluated: 2020-10-13. Review status: criteria provided, single submitter. Criteria: Invitae Variant Classification Sherloc (09022015). Collection method: clinical testing. Allele origin: germline.
Comment: In summary, the available evidence is currently insufficient to determine the role of this variant in disease. Therefore, it has been classified as a Variant of Uncertain Significance. Algorithms developed to predict the effect of sequence changes on RNA splicing suggest that this variant may create or strengthen a splice site, but this prediction has not been confirmed by published transcriptional studies. Advanced modeling of protein sequence and biophysical properties (such as structural, functional, and spatial information, amino acid conservation, physicochemical variation, residue mobility, and thermodynamic stability) performed at Invitae indicates that this missense variant is expected to disrupt TMEM67 protein function. This variant has not been reported in the literature in individuals with TMEM67-related conditions. This variant is not present in population databases (ExAC no frequency). This sequence change replaces cysteine with glycine at codon 784 of the TMEM67 protein (p.Cys784Gly). The cysteine residue is moderately conserved and there is a large physicochemical difference between cysteine and glycine.

NM_153704.6(TMEM67):c.2350T>G (p.Cys784Gly)

Gene: TMEM67 (transmembrane protein 67; plus strand). Cytogenetic location: 8q22.1.
Variant type: single nucleotide variant.
Coding change: c.2350T>G on transcript NM_153704.6 (MANE Select); coding-DNA position 2350, T replaced by G.
Protein change: p.Cys784Gly; replaces cysteine 784 with glycine.
Molecular consequence: missense variant. On other transcripts: non-coding transcript variant (1).
Genome position (GRCh38, 1-based): chr8:93,804,789, T>G. VCF-style: chr8-93804789-T-G. GRCh37 (hg19) VCF-style: chr8-94817017-T-G.
Other names: c.2107T>G, p.Cys703Gly (NM_001142301.1); short protein forms C703G, C784G.
Identifiers: ClinVar variation 1063385 (VCV001063385.9), dbSNP rs2130763694, ClinGen allele CA371698016.